The following is an entry in ClinVar:

ClinVar aggregate classification (germline): Uncertain significance. Review status: criteria provided, multiple submitters, no conflicts (2 of 4 stars). 2 submissions from 2 submitters: Uncertain significance (2). Last evaluated 2023-05-09.

Conditions:
Left ventricular noncompaction 8 (LVNC8). Identifiers: Orphanet 154, Orphanet 54260, MedGen C3809288, MONDO:0014152, OMIM 615373.
Inborn genetic diseases. Identifiers: MedGen C0950123, MeSH D030342.

Allele frequency attached by ClinVar (database versions not stated): TOPMed 0.00003; gnomAD 0.00004; 1000 Genomes Project 30x 0.00016; 1000 Genomes Project 0.00020.
gnomAD v4.1: 47 of 1,613,946 alleles (0.0029%); highest among the groups gnomAD compares: Admixed American, 0.005%; no homozygotes.

Submissions (2):

Ambry Genetics
Classification: Uncertain significance for Inborn genetic diseases. Last evaluated: 2023-05-09. Review status: criteria provided, single submitter. Criteria: Ambry Variant Classification Scheme 2023. Collection method: clinical testing. Allele origin: germline.

Labcorp Genetics (formerly Invitae), Labcorp
Classification: Uncertain significance for Left ventricular noncompaction 8. Last evaluated: 2021-06-05. Review status: criteria provided, single submitter. Criteria: Invitae Variant Classification Sherloc (09022015). Collection method: clinical testing. Allele origin: germline.
Comment: This variant is present in population databases (rs144180800, ExAC 0.01%). This sequence change replaces valine with isoleucine at codon 998 of the PRDM16 protein (p.Val998Ile). The valine residue is highly conserved and there is a small physicochemical difference between valine and isoleucine. This variant has not been reported in the literature in individuals with PRDM16-related conditions. ClinVar contains an entry for this variant (Variation ID: 1051045). Algorithms developed to predict the effect of missense changes on protein structure and function are either unavailable or do not agree on the potential impact of this missense change (SIFT: "Deleterious"; PolyPhen-2: "Benign"; Align-GVGD: "Class C0"). In summary, the available evidence is currently insufficient to determine the role of this variant in disease. Therefore, it has been classified as a Variant of Uncertain Significance.

NM_022114.4(PRDM16):c.2992G>A (p.Val998Ile)

Gene: PRDM16 (PR/SET domain 16; plus strand). Cytogenetic location: 1p36.32.
Variant type: single nucleotide variant.
Coding change: c.2992G>A on transcript NM_022114.4 (MANE Select); coding-DNA position 2992, G replaced by A.
Protein change: p.Val998Ile; replaces valine 998 with isoleucine.
Molecular consequence: missense variant.
Genome position (GRCh38, 1-based): chr1:3,425,633, G>A. VCF-style: chr1-3425633-G-A. GRCh37 (hg19) VCF-style: chr1-3342197-G-A.
Other names: c.2992G>A, p.Val998Ile (NM_199454.3); c.2992G>A (NM_022114.3); short protein forms V998I.
Identifiers: ClinVar variation 1051045 (VCV001051045.10), dbSNP rs144180800, ClinGen allele CA544686.